The following is an entry in ClinVar:

ClinVar aggregate classification (germline): Uncertain significance (1 of 4 stars; one submission).

Allele frequency attached by ClinVar (database versions not stated): TOPMed below 0.00001.

Submission:

Labcorp Genetics (formerly Invitae), Labcorp
Classification: Uncertain significance. Last evaluated: 2022-11-17. Review status: criteria provided, single submitter. Criteria: Invitae Variant Classification Sherloc (09022015). Collection method: clinical testing. Allele origin: germline.
Comment: In summary, the available evidence is currently insufficient to determine the role of this variant in disease. Therefore, it has been classified as a Variant of Uncertain Significance. Algorithms developed to predict the effect of missense changes on protein structure and function (SIFT, PolyPhen-2, Align-GVGD) all suggest that this variant is likely to be disruptive. This variant has not been reported in the literature in individuals affected with PRPF4-related conditions. This variant is not present in population databases (gnomAD no frequency). This sequence change replaces glycine, which is neutral and non-polar, with cysteine, which is neutral and slightly polar, at codon 339 of the PRPF4 protein (p.Gly339Cys).

NM_001244926.2(PRPF4):c.1012G>T (p.Gly338Cys)

Gene: PRPF4 (pre-mRNA splicing tri-snRNP complex factor PRPF4; plus strand). Cytogenetic location: 9q32.
Variant type: single nucleotide variant.
Coding change: c.1012G>T on transcript NM_001244926.2 (MANE Select); coding-DNA position 1012, G replaced by T.
Protein change: p.Gly338Cys; replaces glycine 338 with cysteine.
Molecular consequence: missense variant. On other transcripts: non-coding transcript variant (2).
Genome position (GRCh38, 1-based): chr9:113,288,254, G>T. VCF-style: chr9-113288254-G-T. GRCh37 (hg19) VCF-style: chr9-116050534-G-T.
Other names: c.286G>T, p.Gly96Cys (NM_001322266.2, NM_001322267.2); c.1015G>T, p.Gly339Cys (NM_004697.5); short protein forms G339C, G96C, G338C.
Identifiers: ClinVar variation 2991433 (VCV002991433.3), dbSNP rs1401873176, ClinGen allele CA374554868.
Genomic context (GRCh38, chr9:113,288,254, plus strand): 5'-ATTGAAGGCCATACAGTGCGTGTGGCGCGGGTAATGTGGCATCCTTCAGGACGTTTCCTG[G>T]GCACCACCTGGTGAGCCATCCTGTTATTGTTTTATCCATATAGGCCTGTAGCATCTTCTT-3'
Protein context (NP_001231855.1, residues 328-348): VMWHPSGRFL[Gly338Cys]TTCYDRSWRL